The following is an entry in ClinVar:

NM_201550.4(LRRC10):c.626C>A (p.Ala209Glu)

Gene: LRRC10 (leucine rich repeat containing 10; minus strand). Cytogenetic location: 12q15.
Variant type: single nucleotide variant.
Coding change: c.626C>A on transcript NM_201550.4 (MANE Select); coding-DNA position 626, C replaced by A.
Protein change: p.Ala209Glu; replaces alanine 209 with glutamic acid.
Molecular consequence: missense variant.
Genome position (GRCh38, 1-based): chr12:69,610,213, G>T on the plus strand (C>A on the coding strand, the complement: LRRC10 is on the minus strand). VCF-style: chr12-69610213-G-T. GRCh37 (hg19) VCF-style: chr12-70003993-G-T.
Other names: short protein forms A209E.
Identifiers: ClinVar variation 964899 (VCV000964899.9), dbSNP rs773536861, ClinGen allele CA385735811.

ClinVar aggregate classification (germline): Uncertain significance (1 of 4 stars; one submission).

Submission:

Labcorp Genetics (formerly Invitae), Labcorp
Classification: Uncertain significance. Last evaluated: 2019-10-24. Review status: criteria provided, single submitter. Criteria: Invitae Variant Classification Sherloc (09022015). Collection method: clinical testing. Allele origin: germline.
Comment: This sequence change replaces alanine with glutamic acid at codon 209 of the LRRC10 protein (p.Ala209Glu). The alanine residue is moderately conserved and there is a moderate physicochemical difference between alanine and glutamic acid. This variant is not present in population databases (ExAC no frequency). This variant has not been reported in the literature in individuals with LRRC10-related conditions. Algorithms developed to predict the effect of missense changes on protein structure and function (SIFT, PolyPhen-2, Align-GVGD) all suggest that this variant is likely to be tolerated, but these predictions have not been confirmed by published functional studies and their clinical significance is uncertain. In summary, the available evidence is currently insufficient to determine the role of this variant in disease. Therefore, it has been classified as a Variant of Uncertain Significance.